The following is an entry in ClinVar:

NM_139278.4(LGI3):c.1047C>T (p.Ser349=)

Gene: LGI3 (leucine rich repeat LGI family member 3; minus strand). Cytogenetic location: 8p21.3.
Variant type: single nucleotide variant.
Coding change: c.1047C>T on transcript NM_139278.4 (MANE Select); coding-DNA position 1047, C replaced by T.
Protein change: p.Ser349=; no amino-acid change (serine 349 retained).
Molecular consequence: synonymous variant.
Genome position (GRCh38, 1-based): chr8:22,148,760, G>A on the plus strand (C>T on the coding strand, the complement: LGI3 is on the minus strand). VCF-style: chr8-22148760-G-A. GRCh37 (hg19) VCF-style: chr8-22006273-G-A.
Identifiers: ClinVar variation 4872414 (VCV004872414.2).

ClinVar aggregate classification (germline): Likely benign (1 of 4 stars; one submission).

gnomAD v4.1: 118 of 1,614,210 alleles (0.0073%); highest among the groups gnomAD compares: South Asian, 0.12%; no homozygotes.

Submission:

CeGaT Center for Human Genetics Tuebingen
Classification: Likely benign. Last evaluated: 2026-05-01. Review status: criteria provided, single submitter. Criteria: CeGaT Center For Human Genetics Tuebingen Variant Classification Criteria Version 2. Collection method: clinical testing. Allele origin: germline. Affected: yes. Observed: 1 variant allele.
Comment: LGI3: BP4, BP7